The following is an entry in ClinVar:

NM_000155.4(GALT):c.565-13T>A

Gene: GALT (galactose-1-phosphate uridylyltransferase; plus strand). Cytogenetic location: 9p13.3.
Variant type: single nucleotide variant.
Coding change: c.565-13T>A on transcript NM_000155.4 (MANE Select); 13 bases into the intron before coding-DNA position 565, T replaced by A.
Molecular consequence: intron variant.
Genome position (GRCh38, 1-based): chr9:34,648,321, T>A. VCF-style: chr9-34648321-T-A. GRCh37 (hg19) VCF-style: chr9-34648318-T-A.
Other names: c.238-13T>A (NM_001258332.2).
Identifiers: ClinVar variation 1523582 (VCV001523582.6), dbSNP rs2132344016, ClinGen allele CA2573144589.
Genomic context (GRCh38, chr9:34,648,321, plus strand): 5'-GAAATATGCCAATGATGTGGAGGCTTGGAGGTAAAGGACCTGCCTGTTCTTCTCTGCTTT[T>A]GCCCCTTGACAGGTATGGGCCAGCAGTTTCCTGCCAGATATTGCCCAGCGTGAGGAGCGA-3'

ClinVar aggregate classification (germline): Uncertain significance (1 of 4 stars; one submission).

Conditions:
Deficiency of UDPglucose-hexose-1-phosphate uridylyltransferase. Also called: Transferase Deficiency Galactosemia; GALACTOSE-1-PHOSPHATE URIDYLYLTRANSFERASE DEFICIENCY; GALACTOSEMIA I; GALT deficiency; Galactosemia, classic. Identifiers: Orphanet 352, Orphanet 79239, MedGen C0268151, MONDO:0009258, OMIM 230400.

Submission:

Labcorp Genetics (formerly Invitae), Labcorp
Classification: Uncertain significance for Deficiency of UDPglucose-hexose-1-phosphate uridylyltransferase. Last evaluated: 2021-10-08. Review status: criteria provided, single submitter. Criteria: Invitae Variant Classification Sherloc (09022015). Collection method: clinical testing. Allele origin: germline.
Comment: In summary, the available evidence is currently insufficient to determine the role of this variant in disease. Therefore, it has been classified as a Variant of Uncertain Significance. Algorithms developed to predict the effect of sequence changes on RNA splicing suggest that this variant may create or strengthen a splice site. This variant has not been reported in the literature in individuals affected with GALT-related conditions. This variant is not present in population databases (ExAC no frequency). This sequence change falls in intron 6 of the GALT gene. It does not directly change the encoded amino acid sequence of the GALT protein.